The following is an entry in ClinVar:

NM_003738.5(PTCH2):c.406C>T (p.Leu136Phe)

Gene: PTCH2 (patched 2; minus strand). Cytogenetic location: 1p34.1.
Variant type: single nucleotide variant.
Coding change: c.406C>T on transcript NM_003738.5 (MANE Select); coding-DNA position 406, C replaced by T.
Protein change: p.Leu136Phe; replaces leucine 136 with phenylalanine.
Molecular consequence: missense variant.
Genome position (GRCh38, 1-based): chr1:44,832,201, G>A on the plus strand (C>T on the coding strand, the complement: PTCH2 is on the minus strand). VCF-style: chr1-44832201-G-A. GRCh37 (hg19) VCF-style: chr1-45297873-G-A.
Other names: c.406C>T, p.Leu136Phe (NM_001166292.2); short protein forms L136F.
Identifiers: ClinVar variation 2848208 (VCV002848208.3), dbSNP rs199870694, ClinGen allele CA823647.

ClinVar aggregate classification (germline): Uncertain significance (1 of 4 stars; one submission).

Conditions:
Gorlin syndrome. Also called: Nevoid Basal Cell Carcinoma Syndrome; Basal cell nevus syndrome. Identifiers: Orphanet 377, MedGen C0004779, MONDO:0007187.

Allele frequency attached by ClinVar (database versions not stated): gnomAD 0.00001; TOPMed 0.00001; gnomAD exomes 0.00008; ExAC 0.00016.
gnomAD v4.1: 62 of 1,614,070 alleles (0.0038%); highest among the groups gnomAD compares: Non-Finnish European, 0.004%; no homozygotes.

Submission:

Labcorp Genetics (formerly Invitae), Labcorp
Classification: Uncertain significance for Gorlin syndrome. Last evaluated: 2025-11-05. Review status: criteria provided, single submitter. Criteria: Invitae Variant Classification Sherloc (09022015). Collection method: clinical testing. Allele origin: germline.
Comment: This sequence change replaces leucine, which is neutral and non-polar, with phenylalanine, which is neutral and non-polar, at codon 136 of the PTCH2 protein (p.Leu136Phe). This variant is present in population databases (rs199870694, gnomAD 0.02%). This variant has not been reported in the literature in individuals affected with PTCH2-related conditions. ClinVar contains an entry for this variant (Variation ID: 2848208). Invitae Evidence Modeling of protein sequence and biophysical properties (such as structural, functional, and spatial information, amino acid conservation, physicochemical variation, residue mobility, and thermodynamic stability) indicates that this missense variant is not expected to disrupt PTCH2 protein function with a negative predictive value of 80%. In summary, the available evidence is currently insufficient to determine the role of this variant in disease. Therefore, it has been classified as a Variant of Uncertain Significance.